The following is an entry in ClinVar:

ClinVar aggregate classification (germline): Uncertain significance. Review status: criteria provided, multiple submitters, no conflicts (2 of 4 stars). 6 submissions from 6 submitters: Uncertain significance (6). Last evaluated 2025-12-29.

Conditions:
Brugada syndrome 8 (BRGDA8). Identifiers: Orphanet 130, MedGen C2751083, MONDO:0013148, OMIM 613123.
Sick sinus syndrome 2, autosomal dominant (SSS2). Also called: SINUS BRADYCARDIA SYNDROME, FAMILIAL, AUTOSOMAL DOMINANT; SINUS NODE DISEASE, FAMILIAL, AUTOSOMAL DOMINANT; ATRIAL FIBRILLATION WITH BRADYARRHYTHMIA; SICK SINUS SYNDROME 2; SICK SINUS SYNDROME 2 WITH OR WITHOUT CARDIAC NONCOMPACTION AND/OR ASCENDING AORTA DILATION. Identifiers: Orphanet 166282, MedGen C1834144, MONDO:0008102, OMIM 163800.
Cardiovascular phenotype. Identifiers: MedGen CN230736.

Allele frequency attached by ClinVar (database versions not stated): gnomAD 0.00002; gnomAD exomes 0.00002; TOPMed 0.00003; ExAC 0.00005.
gnomAD v4.1: 30 of 1,475,900 alleles (0.002%); highest among the groups gnomAD compares: South Asian, 0.0057%; no homozygotes.

Submissions (6):

Labcorp Genetics (formerly Invitae), Labcorp
Classification: Uncertain significance for Brugada syndrome 8. Last evaluated: 2025-12-29. Review status: criteria provided, single submitter. Criteria: Invitae Variant Classification Sherloc (09022015). Collection method: clinical testing. Allele origin: germline.
Comment: This sequence change replaces proline, which is neutral and non-polar, with leucine, which is neutral and non-polar, at codon 1073 of the HCN4 protein (p.Pro1073Leu). The frequency data for this variant in the population databases is considered unreliable, as metrics indicate poor data quality at this position in the gnomAD database. This variant has not been reported in the literature in individuals affected with HCN4-related conditions. ClinVar contains an entry for this variant (Variation ID: 538077). Invitae Evidence Modeling of protein sequence and biophysical properties (such as structural, functional, and spatial information, amino acid conservation, physicochemical variation, residue mobility, and thermodynamic stability) indicates that this missense variant is not expected to disrupt HCN4 protein function with a negative predictive value of 95%. In summary, the available evidence is currently insufficient to determine the role of this variant in disease. Therefore, it has been classified as a Variant of Uncertain Significance.

Blueprint Genetics
Classification: Uncertain significance. Last evaluated: 2024-03-04. Review status: criteria provided, single submitter. Criteria: ACMG Guidelines, 2015. Collection method: clinical testing. Allele origin: germline.

GeneDx
Classification: Uncertain significance. Last evaluated: 2023-12-12. Review status: criteria provided, single submitter. Criteria: GeneDx Variant Classification Process June 2021. Collection method: clinical testing. Allele origin: germline. Affected: yes.
Comment: Has not been previously published as pathogenic or benign to our knowledge; Not observed at significant frequency in large population cohorts (gnomAD); In silico analysis supports that this missense variant does not alter protein structure/function

Ambry Genetics
Classification: Uncertain significance for Cardiovascular phenotype. Last evaluated: 2023-04-18. Review status: criteria provided, single submitter. Criteria: Ambry Variant Classification Scheme 2023. Collection method: clinical testing. Allele origin: germline.
Comment: The p.P1073L variant (also known as c.3218C>T), located in coding exon 8 of the HCN4 gene, results from a C to T substitution at nucleotide position 3218. The proline at codon 1073 is replaced by leucine, an amino acid with similar properties. This amino acid position is well conserved in available vertebrate species. In addition, the in silico prediction for this alteration is inconclusive. Since supporting evidence is limited at this time, the clinical significance of this alteration remains unclear.

Illumina Laboratory Services, Illumina
Classification: Uncertain significance for Sick sinus syndrome 2, autosomal dominant. Last evaluated: 2018-01-12. Review status: criteria provided, single submitter. Criteria: ICSL Variant Classification Criteria 13 December 2019. Collection method: clinical testing. Allele origin: germline.

Breakthrough Genomics
Classification: Uncertain significance. Review status: criteria provided, single submitter. Criteria: ACMG Guidelines, 2015. Collection method: not provided. Allele origin: germline. Inheritance: Autosomal dominant inheritance. Affected: yes.

NM_005477.3(HCN4):c.3218C>T (p.Pro1073Leu)

Gene: HCN4 (hyperpolarization activated cyclic nucleotide gated potassium channel 4; minus strand). Cytogenetic location: 15q24.1.
Variant type: single nucleotide variant.
Coding change: c.3218C>T on transcript NM_005477.3 (MANE Select); coding-DNA position 3218, C replaced by T.
Protein change: p.Pro1073Leu; replaces proline 1073 with leucine.
Molecular consequence: missense variant.
Genome position (GRCh38, 1-based): chr15:73,322,875, G>A on the plus strand (C>T on the coding strand, the complement: HCN4 is on the minus strand). VCF-style: chr15-73322875-G-A. GRCh37 (hg19) VCF-style: chr15-73615216-G-A.
Other names: short protein forms P1073L.
Identifiers: ClinVar variation 538077 (VCV000538077.18), dbSNP rs982016034, ClinGen allele CA7648865.